The following is an entry in ClinVar:

NM_015021.3(ZNF292):c.1675C>T (p.His559Tyr)

Gene: ZNF292 (zinc finger protein 292; plus strand). Cytogenetic location: 6q14.3.
Variant type: single nucleotide variant.
Coding change: c.1675C>T on transcript NM_015021.3 (MANE Select); coding-DNA position 1675, C replaced by T.
Protein change: p.His559Tyr; replaces histidine 559 with tyrosine.
Molecular consequence: missense variant.
Genome position (GRCh38, 1-based): chr6:87,255,304, C>T. VCF-style: chr6-87255304-C-T. GRCh37 (hg19) VCF-style: chr6-87965022-C-T.
Other names: c.1255C>T, p.His419Tyr (NM_001351444.2); short protein forms H419Y, H559Y.
Identifiers: ClinVar variation 3898823 (VCV003898823.1).

ClinVar aggregate classification (germline): Uncertain significance (1 of 4 stars; one submission).

Submission:

GeneDx
Classification: Uncertain significance. Last evaluated: 2024-11-12. Review status: criteria provided, single submitter. Criteria: GeneDx Variant Classification Process June 2021. Collection method: clinical testing. Allele origin: germline. Affected: yes.
Comment: Not observed at significant frequency in large population cohorts (gnomAD); In silico analysis supports that this missense variant has a deleterious effect on protein structure/function; Has not been previously published as pathogenic or benign to our knowledge